The following is an entry in ClinVar:

ClinVar aggregate classification (germline): Pathogenic (1 of 4 stars; one submission).

Conditions:
Primary ciliary dyskinesia. Also called: Ciliary dyskinesia. Identifiers: Orphanet 244, MedGen C0008780, MONDO:0016575, HP:0012265.

Submission:

Labcorp Genetics (formerly Invitae), Labcorp
Classification: Pathogenic for Primary ciliary dyskinesia. Last evaluated: 2024-03-14. Review status: criteria provided, single submitter. Criteria: Invitae Variant Classification Sherloc (09022015). Collection method: clinical testing. Allele origin: germline.
Comment: This sequence change results in a frameshift in the DNAH11 gene (p.Glu4500Alafs*24). While this is not anticipated to result in nonsense mediated decay, it is expected to disrupt the last 17 amino acid(s) of the DNAH11 protein and extend the protein by 6 additional amino acid residues. This variant is not present in population databases (gnomAD no frequency). This variant has not been reported in the literature in individuals affected with DNAH11-related conditions. This variant disrupts a region of the DNAH11 protein in which other variant(s) (p.Trp4505Serfs*10) have been determined to be pathogenic (Invitae). This suggests that this is a clinically significant region of the protein, and that variants that disrupt it are likely to be disease-causing. For these reasons, this variant has been classified as Pathogenic.

NM_001277115.2(DNAH11):c.13484_13496dup (p.Glu4500fs)

Genes: CDCA7L (cell division cycle associated 7 like; minus strand), DNAH11 (dynein axonemal heavy chain 11; plus strand). Cytogenetic location: 7p15.3.
Variant type: Duplication.
Coding change: c.13484_13496dup on transcript NM_001277115.2 (MANE Select); coding-DNA positions 13484 to 13496, 13 bases duplicated (GGCTGAAGAGCGA).
Protein change: p.Glu4500fs; shifts the reading frame from glutamic acid 4500.
Molecular consequence: frameshift variant. On other transcripts: 3 prime UTR variant (3).
Genome position (GRCh38, 1-based): chr7:21,901,187-21,901,199, GGCTGAAGAGCGA duplicated; duplicating any 13 consecutive bases within chr7:21,901,186-21,901,199 gives the same sequence; the c. name uses the placement nearest the transcript's 3' end. VCF-style (leftmost placement, unchanged base first): chr7-21901185-C-CAGGCTGAAGAGCG. GRCh37 (hg19) VCF-style: chr7-21940803-C-CAGGCTGAAGAGCG.
Other names: c.*1124_*1136dup (NM_001127370.3, NM_001127371.3, NM_018719.5); short protein forms E4500fs.
Identifiers: ClinVar variation 3678147 (VCV003678147.2).